The following is an entry in ClinVar:

ClinVar aggregate classification (germline): Uncertain significance (1 of 4 stars; one submission).

Conditions:
RYR1-related disorder. Also called: RYR1-related condition; RYR1-related disorders. Identifiers: MedGen CN239331.

Allele frequency attached by ClinVar (database versions not stated): ExAC 0.00001; gnomAD exomes 0.00001.
gnomAD v4.1: 3 of 1,612,412 alleles (0.00019%); highest among the groups gnomAD compares: Middle Eastern, 0.017%; no homozygotes.

Submission:

Labcorp Genetics (formerly Invitae), Labcorp
Classification: Uncertain significance for RYR1-related disorder. Last evaluated: 2025-12-24. Review status: criteria provided, single submitter. Criteria: Invitae Variant Classification Sherloc (09022015). Collection method: clinical testing. Allele origin: germline.
Comment: This sequence change falls in intron 15 of the RYR1 gene. It does not directly change the encoded amino acid sequence of the RYR1 protein. This variant is present in population databases (rs764531802, gnomAD 0.0009%). This variant has not been reported in the literature in individuals affected with RYR1-related conditions. ClinVar contains an entry for this variant (Variation ID: 1963648). Algorithms developed to predict the effect of sequence changes on RNA splicing suggest that this variant may disrupt the consensus splice site. In summary, the available evidence is currently insufficient to determine the role of this variant in disease. Therefore, it has been classified as a Variant of Uncertain Significance.

NM_000540.3(RYR1):c.1673-5G>A

Gene: RYR1 (ryanodine receptor 1; plus strand). Cytogenetic location: 19q13.2.
Variant type: single nucleotide variant.
Coding change: c.1673-5G>A on transcript NM_000540.3 (MANE Select); 5 bases into the intron before coding-DNA position 1673, G replaced by A.
Molecular consequence: intron variant.
Genome position (GRCh38, 1-based): chr19:38,455,628, G>A. VCF-style: chr19-38455628-G-A. GRCh37 (hg19) VCF-style: chr19-38946268-G-A.
Other names: c.1673-5G>A (NM_001042723.2).
Identifiers: ClinVar variation 1963648 (VCV001963648.5), dbSNP rs764531802, ClinGen allele CA062335.